The following is an entry in ClinVar:

ClinVar aggregate classification (germline): Benign (0 of 4 stars; one submission).

Conditions:
PPP1R9A-related disorder. Also called: PPP1R9A-related condition.

Allele frequency attached by ClinVar (database versions not stated): ESP Exome Variant Server 0.06805; gnomAD 0.08204; TOPMed 0.08466; gnomAD exomes 0.09436; ExAC 0.10672; 1000 Genomes Project 30x 0.10759; 1000 Genomes Project 0.10962.
gnomAD v4.1: 150,913 of 1,613,752 alleles (9.4%); highest among the groups gnomAD compares: Admixed American, 20%; 7,951 homozygotes.

Submission:

PreventionGenetics, part of Exact Sciences
Classification: Benign for PPP1R9A-related condition. Last evaluated: 2019-10-28. Review status: no assertion criteria provided. Collection method: clinical testing. Allele origin: germline.
Comment: This variant is classified as benign based on ACMG/AMP sequence variant interpretation guidelines (Richards et al. 2015 PMID: 25741868, with internal and published modifications).

NM_001166160.2(PPP1R9A):c.111C>T (p.Pro37=)

Gene: PPP1R9A (protein phosphatase 1 regulatory subunit 9A; plus strand). Cytogenetic location: 7q21.3.
Variant type: single nucleotide variant.
Coding change: c.111C>T on transcript NM_001166160.2 (MANE Select); coding-DNA position 111, C replaced by T.
Protein change: p.Pro37=; no amino-acid change (proline 37 retained).
Molecular consequence: synonymous variant.
Genome position (GRCh38, 1-based): chr7:94,910,224, C>T. VCF-style: chr7-94910224-C-T. GRCh37 (hg19) VCF-style: chr7-94539536-C-T.
Other names: c.111C>T, p.Pro37= (NM_001166161.1, NM_001166162.1, NM_001166163.1 and 1 more transcripts).
Identifiers: ClinVar variation 3060118 (VCV003060118.2), dbSNP rs12536183, ClinGen allele CA4349202.